The following is an entry in ClinVar:

NM_016169.4(SUFU):c.836G>A (p.Ser279Asn)

Gene: SUFU (SUFU negative regulator of hedgehog signaling; plus strand). Cytogenetic location: 10q24.32.
Variant type: single nucleotide variant.
Coding change: c.836G>A on transcript NM_016169.4 (MANE Select); coding-DNA position 836, G replaced by A.
Protein change: p.Ser279Asn; replaces serine 279 with asparagine.
Molecular consequence: missense variant.
Genome position (GRCh38, 1-based): chr10:102,597,219, G>A. VCF-style: chr10-102597219-G-A. GRCh37 (hg19) VCF-style: chr10-104356976-G-A.
Other names: c.836G>A, p.Ser279Asn (NM_001178133.2); short protein forms S279N.
Identifiers: ClinVar variation 822353 (VCV000822353.19), dbSNP rs1486885056, ClinGen allele CA377910557.
Genomic context (GRCh38, chr10:102,597,219, plus strand): 5'-TCGAGACAGATGGCTCCAACCTGAGTGGTGTCAGTGCCAAGTGTGCCTGGGATGACCTGA[G>A]CCGGCCCCCCGAGGATGACGAGGACAGCCGGAGCATCTGCATCGGCACACAGCCCCGGCG-3'
Protein context (NP_057253.2, residues 269-289): VSAKCAWDDL[Ser279Asn]RPPEDDEDSR

ClinVar aggregate classification (germline): Uncertain significance. Review status: criteria provided, multiple submitters, no conflicts (2 of 4 stars). 2 submissions from 2 submitters: Uncertain significance (2). Last evaluated 2026-04-06.

Conditions:
Gorlin syndrome. Also called: Nevoid Basal Cell Carcinoma Syndrome; Basal cell nevus syndrome. Identifiers: Orphanet 377, MedGen C0004779, MONDO:0007187.
Medulloblastoma (MDB). Also called: Medulloblastoma, somatic; MEDULLOBLASTOMA PREDISPOSITION SYNDROME. Identifiers: Orphanet 616, MedGen C0025149, MeSH D008527, MONDO:0007959, OMIM 155255, HP:0002885.
Hereditary cancer-predisposing syndrome. Also called: Tumor predisposition; Neoplastic Syndromes, Hereditary; Hereditary neoplastic syndrome; Hereditary Cancer Syndrome. Identifiers: Orphanet 140162, MedGen C0027672, MeSH D009386, MONDO:0015356.

Allele frequency attached by ClinVar (database versions not stated): gnomAD exomes below 0.00001.
gnomAD v4.1: 7 of 1,613,986 alleles (0.00043%); highest among the groups gnomAD compares: African/African-American, 0.0013%; no homozygotes.

Submissions (2):

Ambry Genetics
Classification: Uncertain significance for Hereditary cancer-predisposing syndrome. Last evaluated: 2026-04-06. Review status: criteria provided, single submitter. Criteria: Ambry Variant Classification Scheme 2023. Collection method: clinical testing. Allele origin: germline.

Labcorp Genetics (formerly Invitae), Labcorp
Classification: Uncertain significance for Gorlin syndrome; Medulloblastoma. Last evaluated: 2025-10-23. Review status: criteria provided, single submitter. Criteria: Invitae Variant Classification Sherloc (09022015). Collection method: clinical testing. Allele origin: germline.
Comment: This sequence change replaces serine, which is neutral and polar, with asparagine, which is neutral and polar, at codon 279 of the SUFU protein (p.Ser279Asn). This variant is present in population databases (no rsID available, gnomAD 0.003%). This variant has not been reported in the literature in individuals affected with SUFU-related conditions. ClinVar contains an entry for this variant (Variation ID: 822353). Invitae Evidence Modeling of protein sequence and biophysical properties (such as structural, functional, and spatial information, amino acid conservation, physicochemical variation, residue mobility, and thermodynamic stability) indicates that this missense variant is not expected to disrupt SUFU protein function with a negative predictive value of 80%. In summary, the available evidence is currently insufficient to determine the role of this variant in disease. Therefore, it has been classified as a Variant of Uncertain Significance.